The following is an entry in ClinVar:

ClinVar aggregate classification (germline): Pathogenic/Likely pathogenic. Review status: criteria provided, multiple submitters, no conflicts (2 of 4 stars). 4 submissions from 4 submitters: Pathogenic (1); Likely pathogenic (2). 1 of the submissions does not count toward it. Last evaluated 2024-08-05.

Conditions:
Deficiency of galactokinase. Also called: Galactokinase deficiency with cataracts; GALACTOSEMIA II. Identifiers: Orphanet 352, Orphanet 79237, MedGen C0268155, MONDO:0009255, OMIM 230200.

Submissions (4):

Natera, Inc.
Classification: Likely pathogenic for Deficiency of galactokinase. Last evaluated: 2024-08-05. Review status: criteria provided, single submitter. Criteria: Natera Variant Classification Schema (03/2026). Collection method: clinical testing. Allele origin: germline.
Comment: The c.410dupG variant in GALK1 is a frameshift variant predicted to shift the reading frame beginning at codon 138 and leads to a stop codon 65 codons downstream. This variant is expected to result in nonsense mediated decay, truncation, or a dysfunctional protein product. This variant is rare in the general population with a frequency below the threshold expected for the associated phenotype(s). Given the available evidence, this variant is classified as Likely Pathogenic.

Fulgent Genetics
Classification: Likely pathogenic for Deficiency of galactokinase. Last evaluated: 2024-06-25. Review status: criteria provided, single submitter. Criteria: ACMG Guidelines, 2015. Collection method: clinical testing. Allele origin: germline.

Labcorp Genetics (formerly Invitae), Labcorp
Classification: Pathogenic for Deficiency of galactokinase. Last evaluated: 2023-08-21. Review status: criteria provided, single submitter. Criteria: Invitae Variant Classification Sherloc (09022015). Collection method: clinical testing. Allele origin: germline.
Comment: This sequence change creates a premature translational stop signal (p.Gly138Trpfs*65) in the GALK1 gene. It is expected to result in an absent or disrupted protein product. Loss-of-function variants in GALK1 are known to be pathogenic (PMID: 7670469, 10790206). This variant is not present in population databases (gnomAD no frequency). This variant has not been reported in the literature in individuals affected with GALK1-related conditions. ClinVar contains an entry for this variant (Variation ID: 558402). For these reasons, this variant has been classified as Pathogenic.

Counsyl
Classification: Likely pathogenic for Deficiency of galactokinase. Last evaluated: 2018-05-18. Review status: no assertion criteria provided. Collection method: clinical testing. Allele origin: unknown. Not counted in ClinVar's aggregate classification.

Literature cited by the submitters: PubMed 7670469 (cited by Labcorp Genetics (formerly Invitae), Labcorp); PubMed 10790206 (cited by Labcorp Genetics (formerly Invitae), Labcorp).

NM_000154.2(GALK1):c.410dup (p.Gly138fs)

Gene: GALK1 (galactokinase 1; minus strand). Cytogenetic location: 17q25.1.
Variant type: Duplication.
Coding change: c.410dup on transcript NM_000154.2 (MANE Select); coding-DNA position 410, one base duplicated (G; older notation c.410dupG).
Protein change: p.Gly138fs; shifts the reading frame from glycine 138.
Molecular consequence: frameshift variant.
Genome position (GRCh38, 1-based): chr17:75,763,385, C duplicated on the plus strand (G on the coding strand, the reverse complement: GALK1 is on the minus strand); the first of 6 consecutive C bases (chr17:75,763,385-75,763,390); duplicating any one gives the same sequence. VCF-style (leftmost placement, unchanged base first): chr17-75763384-A-AC. GRCh37 (hg19) VCF-style: chr17-73759465-A-AC.
Other names: c.410dupG (NM_000154.1); short protein forms G138fs.
Identifiers: ClinVar variation 558402 (VCV000558402.14), dbSNP rs767329054, ClinGen allele CA8770957.